The following is an entry in ClinVar:

ClinVar aggregate classification (germline): Likely benign. Review status: criteria provided, multiple submitters, no conflicts (2 of 4 stars). 9 submissions from 6 submitters: Likely benign (9). Last evaluated 2025-08-05.

Conditions:
Malignant hyperthermia, susceptibility to, 5 (MHS5). Also called: CACNA1S-Related Malignant Hyperthermia Susceptibility. Identifiers: Orphanet 423, MedGen C1866077, MONDO:0011163, OMIM 601887.
Hypokalemic periodic paralysis, type 1. Also called: Hypokalemic Periodic Paralysis Type 1 (AD); HypoPP. Identifiers: Orphanet 681, MedGen C3714580, MONDO:0042979, OMIM 170400.
Thyrotoxic periodic paralysis, susceptibility to, 1 (TTPP1). Identifiers: Orphanet 79102, MedGen C2749982, MONDO:0008570, OMIM 188580.
Congenital myopathy 18. Also called: DIHYDROPYRIDINE RECEPTOR CONGENITAL MYOPATHY; DHPR CONGENITAL MYOPATHY; Myopathy, congenital, due to dihydropyridine receptor defect. Identifiers: MedGen C5830283, MONDO:0859514, OMIM 620246.

Allele frequency attached by ClinVar (database versions not stated): TOPMed 0.00006; 1000 Genomes Project 0.00020; 1000 Genomes Project 30x 0.00031.
gnomAD v4.1: 36 of 1,613,918 alleles (0.0022%); highest among the groups gnomAD compares: South Asian, 0.011%; no homozygotes.

Submissions (10):

Labcorp Genetics (formerly Invitae), Labcorp
Classification: Likely benign for Hypokalemic periodic paralysis, type 1; Malignant hyperthermia, susceptibility to, 5. Last evaluated: 2025-08-05. Review status: criteria provided, single submitter. Criteria: Invitae Variant Classification Sherloc (09022015). Collection method: clinical testing. Allele origin: germline.

All of Us Research Program, National Institutes of Health
Classification: Likely benign for Malignant hyperthermia, susceptibility to, 5. Last evaluated: 2024-08-13. Review status: criteria provided, single submitter. Criteria: ACMG Guidelines, 2015. Collection method: clinical testing. Allele origin: germline. Inheritance: Autosomal dominant inheritance. Observed: 8 variant alleles, 8 heterozygotes.
Comment: This study involves interpretation of variants in research participants for the purpose of population health screening. Participant phenotype was not available at the time of variant classification. Additional details can be found in publication PMID: 35346344, PMCID: PMC8962531

Color Diagnostics, LLC DBA Color Health
Classification: Likely benign for Malignant hyperthermia, susceptibility to, 5. Last evaluated: 2024-07-30. Review status: criteria provided, single submitter. Criteria: ACMG Guidelines, 2015. Collection method: clinical testing. Allele origin: germline.

Blueprint Genetics
Classification: Likely benign. Last evaluated: 2024-02-05. Review status: criteria provided, single submitter. Criteria: ACMG Guidelines, 2015. Collection method: clinical testing. Allele origin: germline.

Genome-Nilou Lab
Classification: Likely benign for Malignant hyperthermia, susceptibility to, 5. Last evaluated: 2023-04-11. Review status: criteria provided, single submitter. Criteria: ACMG Guidelines, 2015. Collection method: clinical testing. Allele origin: germline. Affected: no.

Genome-Nilou Lab
Classification: Likely benign for Thyrotoxic periodic paralysis, susceptibility to, 1. Last evaluated: 2023-04-11. Review status: criteria provided, single submitter. Criteria: ACMG Guidelines, 2015. Collection method: clinical testing. Allele origin: germline. Affected: no.

Genome-Nilou Lab
Classification: Likely benign for Congenital myopathy 18. Last evaluated: 2023-04-11. Review status: criteria provided, single submitter. Criteria: ACMG Guidelines, 2015. Collection method: clinical testing. Allele origin: germline. Affected: no.

Genome-Nilou Lab
Classification: Likely benign for Hypokalemic periodic paralysis, type 1. Last evaluated: 2023-04-11. Review status: criteria provided, single submitter. Criteria: ACMG Guidelines, 2015. Collection method: clinical testing. Allele origin: germline. Affected: no.

GeneDx
Classification: Likely benign. Last evaluated: 2019-04-25. Review status: criteria provided, single submitter. Criteria: GeneDx Variant Classification Process June 2021. Collection method: clinical testing. Allele origin: germline. Affected: yes.

Dr. Peter K. Rogan Lab, Western University
No classification provided (evidence only). Condition: Nonpapillary renal cell carcinoma. Review status: no classification provided. Collection method: in vitro. Allele origin: not applicable. Functional consequence: retained intron. Not counted in ClinVar's aggregate classification.

NM_000069.3(CACNA1S):c.4419G>A (p.Thr1473=)

Gene: CACNA1S (calcium voltage-gated channel subunit alpha1 S; minus strand). Cytogenetic location: 1q32.1.
Variant type: single nucleotide variant.
Coding change: c.4419G>A on transcript NM_000069.3 (MANE Select); coding-DNA position 4419, G replaced by A.
Protein change: p.Thr1473=; no amino-acid change (threonine 1473 retained).
Molecular consequence: synonymous variant.
Genome position (GRCh38, 1-based): chr1:201,048,604, C>T on the plus strand (G>A on the coding strand, the complement: CACNA1S is on the minus strand). VCF-style: chr1-201048604-C-T. GRCh37 (hg19) VCF-style: chr1-201017732-C-T.
Identifiers: ClinVar variation 838843 (VCV000838843.19), dbSNP rs540448406, ClinGen allele CA083339.
Genomic context (GRCh38, chr1:201,048,604, plus strand): 5'-GGAGAAAGGAGGGGGCTCACATTGGAAGGCACTCTCACCTTCCGTCTTGATCTTGAGTGC[C>T]GTGCGGACCAGGGCAAAGAGTGTGGCATTGAAGGTGACTGTGCCGTCGCTGTTCAGGGGC-3'
Protein context (NP_000060.2, residues 1463-1483): FNATLFALVR[Thr1473=]ALKIKTEGNF